The following is an entry in ClinVar:

NM_005327.7(HADH):c.493C>T (p.Arg165Ter)

Gene: HADH (hydroxyacyl-CoA dehydrogenase; plus strand). Cytogenetic location: 4q25.
Variant type: single nucleotide variant.
Coding change: c.493C>T on transcript NM_005327.7 (MANE Select); coding-DNA position 493, C replaced by T.
Protein change: p.Arg165Ter; replaces arginine 165 with a stop codon.
Molecular consequence: nonsense.
Genome position (GRCh38, 1-based): chr4:108,019,613, C>T. VCF-style: chr4-108019613-C-T. GRCh37 (hg19) VCF-style: chr4-108940769-C-T.
Other names: c.493C>T, p.Arg165Ter (NM_001184705.4); c.505C>T, p.Arg169Ter (NM_001331027.2); short protein forms R165*, R169*.
Identifiers: ClinVar variation 2796951 (VCV002796951.3), dbSNP rs1239277010, ClinGen allele CA357833042.

ClinVar aggregate classification (germline): Pathogenic (1 of 4 stars; one submission).

Conditions:
Deficiency of 3-hydroxyacyl-CoA dehydrogenase. Also called: HADH DEFICIENCY; 3-hydroxyacyl-CoA dehydrogenase deficiency. Identifiers: Orphanet 309127, Orphanet 71212, MedGen C1291230, MONDO:0017715, OMIM 231530.

Allele frequency attached by ClinVar (database versions not stated): gnomAD exomes below 0.00001.
gnomAD v4.1: 3 of 1,614,082 alleles (0.00019%); highest among the groups gnomAD compares: East Asian, 0.0022%; no homozygotes.

Submission:

Labcorp Genetics (formerly Invitae), Labcorp
Classification: Pathogenic for Deficiency of 3-hydroxyacyl-CoA dehydrogenase. Last evaluated: 2023-02-14. Review status: criteria provided, single submitter. Criteria: Invitae Variant Classification Sherloc (09022015). Collection method: clinical testing. Allele origin: germline.
Comment: This variant has not been reported in the literature in individuals affected with HADH-related conditions. This sequence change creates a premature translational stop signal (p.Arg165*) in the HADH gene. It is expected to result in an absent or disrupted protein product. Loss-of-function variants in HADH are known to be pathogenic (PMID: 8825408). This variant is not present in population databases (gnomAD no frequency). Algorithms developed to predict the effect of sequence changes on RNA splicing suggest that this variant may disrupt the consensus splice site. For these reasons, this variant has been classified as Pathogenic.

Literature cited by the submitters: PubMed 8825408.